The following is an entry in ClinVar:

Conditions:
Long QT syndrome 5 (LQT5). Identifiers: Orphanet 101016, Orphanet 768, MedGen C1867904, MONDO:0013372, OMIM 613695.

Submission:

Roden Lab, Vanderbilt University Medical Center
No classification provided (evidence only). Condition: Long QT syndrome 5. Review status: no classification provided. Collection method: in vitro. Allele origin: not applicable. Functional consequence: Effect on ion channel function.
ClinVar note: "not provided" was previously submitted as the classification for the variant. However, the classification appeared to be based only on an observation of functional data so it was converted to no classification on 2025-07-30.

NM_000219.6(KCNE1):c.99G>A (p.Arg33=)

Gene: KCNE1 (potassium voltage-gated channel subfamily E regulatory subunit 1; minus strand). Cytogenetic location: 21q22.12.
Variant type: single nucleotide variant.
Coding change: c.99G>A on transcript NM_000219.6 (MANE Select); coding-DNA position 99, G replaced by A.
Protein change: p.Arg33=; no amino-acid change (arginine 33 retained).
Molecular consequence: synonymous variant.
Genome position (GRCh38, 1-based): chr21:34,449,536, C>T on the plus strand (G>A on the coding strand, the complement: KCNE1 is on the minus strand). VCF-style: chr21-34449536-C-T. GRCh37 (hg19) VCF-style: chr21-35821834-C-T.
Other names: c.99G>A, p.Arg33= (NM_001127668.4, NM_001127669.4, NM_001127670.4 and 4 more transcripts).
Identifiers: ClinVar variation 3374044 (VCV003374044.2).
Genomic context (GRCh38, chr21:34,449,536, plus strand): 5'-GAATCCCAGTACCATGAGGACGTAGAGGGCCTCCAGCTTGCCGTCACTGCTGCGGGGGGA[C>T]CTGCGGGCCAGGCCCGACATGTTGCCACCCTGCTGAACTGTCTCCTGCCACAGCTTGGTC-3'
Protein context (NP_000210.2, residues 23-43): QGGNMSGLAR[Arg33=]SPRSSDGKLE